The following is an entry in ClinVar:

NM_030962.4(SBF2):c.1652_1653inv (p.Glu551Val)

Gene: SBF2 (SET binding factor 2; minus strand). Cytogenetic location: 11p15.4.
Variant type: Inversion.
Coding change: c.1652_1653inv on transcript NM_030962.4 (MANE Select).
Protein change: p.Glu551Val; replaces glutamic acid 551 with valine.
Molecular consequence: missense variant.
Genome position: GRCh38 VCF-style: chr11-9963830-TT-AA. GRCh37 (hg19) VCF-style: chr11-9985377-TT-AA.
Other names: c.1652_1653inv, p.Glu551Val (NM_001386339.1); c.1523_1524inv, p.Glu508Val (NM_001386342.1); short protein forms E551V, E508V.
Identifiers: ClinVar variation 1978272 (VCV001978272.4), ClinGen allele CA2580085032.
Genomic context (GRCh38, chr11:9,963,830, plus strand): 5'-TACCTTTTCAGTTTCCAAAATTTTATTTTCAAATATGAATGAGATACAGTTTCTGACAAC[TT>AA]CTAGTCTTTGTGCACTGTTGAAAACTGTCGTCACCTTGTCCATTATCGAAACTAGTAAAA-3'
Protein context (NP_112224.1, residues 541-561): TTVFNSAQRL[Glu551Val]VVRNCISFIF

ClinVar aggregate classification (germline): Uncertain significance (1 of 4 stars; one submission).

Conditions:
Charcot-Marie-Tooth disease type 4. Also called: Charcot-Marie-Tooth disease, type IV; Charcot-Marie-Tooth, Type 4. Identifiers: Orphanet 64749, MedGen C4082197, MONDO:0018995.

Submission:

Labcorp Genetics (formerly Invitae), Labcorp
Classification: Uncertain significance for Charcot-Marie-Tooth disease type 4. Last evaluated: 2022-08-23. Review status: criteria provided, single submitter. Criteria: Invitae Variant Classification Sherloc (09022015). Collection method: clinical testing. Allele origin: germline.
Comment: This sequence change replaces glutamic acid, which is acidic and polar, with valine, which is neutral and non-polar, at codon 551 of the SBF2 protein (p.Glu551Val). Information on the frequency of this variant in the gnomAD database is not available, as this variant may be reported differently in the database. This variant has not been reported in the literature in individuals affected with SBF2-related conditions. Algorithms developed to predict the effect of missense changes on protein structure and function are either unavailable or do not agree on the potential impact of this missense change (SIFT: "Not Available"; PolyPhen-2: "Probably Damaging"; Align-GVGD: "Not Available"). In summary, the available evidence is currently insufficient to determine the role of this variant in disease. Therefore, it has been classified as a Variant of Uncertain Significance.